The following is an entry in ClinVar:

NM_000283.4(PDE6B):c.112G>A (p.Asp38Asn)

Gene: PDE6B (phosphodiesterase 6B; plus strand). Cytogenetic location: 4p16.3.
Variant type: single nucleotide variant.
Coding change: c.112G>A on transcript NM_000283.4 (MANE Select); coding-DNA position 112, G replaced by A.
Protein change: p.Asp38Asn; replaces aspartic acid 38 with asparagine.
Molecular consequence: missense variant.
Genome position (GRCh38, 1-based): chr4:625,738, G>A. VCF-style: chr4-625738-G-A. GRCh37 (hg19) VCF-style: chr4-619527-G-A.
Other names: c.112G>A, p.Asp38Asn (NM_001145291.2); short protein forms D38N.
Identifiers: ClinVar variation 1719280 (VCV001719280.5), dbSNP rs1734055708, ClinGen allele CA355906183.
Genomic context (GRCh38, chr4:625,738, plus strand): 5'-TTTGCCCGCCAGTACTTTGGGAAGAAACTGAGCCCTGAGAATGTGGCCGCGGCCTGCGAG[G>A]ACGGGTGCCCGCCGGACTGCGACAGCCTCCGGGACCTCTGCCAGGTGGAGGAGAGCACGG-3'
Protein context (NP_000274.3, residues 28-48): SPENVAAACE[Asp38Asn]GCPPDCDSLR

ClinVar aggregate classification (germline): Uncertain significance (1 of 4 stars; one submission).

Allele frequency attached by ClinVar (database versions not stated): TOPMed below 0.00001.

Submission:

Labcorp Genetics (formerly Invitae), Labcorp
Classification: Uncertain significance. Last evaluated: 2022-09-12. Review status: criteria provided, single submitter. Criteria: Invitae Variant Classification Sherloc (09022015). Collection method: clinical testing. Allele origin: germline.
Comment: This sequence change replaces aspartic acid, which is acidic and polar, with asparagine, which is neutral and polar, at codon 38 of the PDE6B protein (p.Asp38Asn). This variant is not present in population databases (gnomAD no frequency). This variant has not been reported in the literature in individuals affected with PDE6B-related conditions. Advanced modeling of protein sequence and biophysical properties (such as structural, functional, and spatial information, amino acid conservation, physicochemical variation, residue mobility, and thermodynamic stability) performed at Invitae indicates that this missense variant is not expected to disrupt PDE6B protein function. In summary, the available evidence is currently insufficient to determine the role of this variant in disease. Therefore, it has been classified as a Variant of Uncertain Significance.